The following is an entry in ClinVar:

NM_004100.5(EYA4):c.623T>C (p.Leu208Pro)

Gene: EYA4 (EYA transcriptional coactivator and phosphatase 4; plus strand). Cytogenetic location: 6q23.2.
Variant type: single nucleotide variant.
Coding change: c.623T>C on transcript NM_004100.5 (MANE Select); coding-DNA position 623, T replaced by C.
Protein change: p.Leu208Pro; replaces leucine 208 with proline.
Molecular consequence: missense variant.
Genome position (GRCh38, 1-based): chr6:133,462,663, T>C. VCF-style: chr6-133462663-T-C. GRCh37 (hg19) VCF-style: chr6-133783801-T-C.
Other names: c.461T>C, p.Leu154Pro (NM_001301012.2, NM_001370459.1); c.623T>C, p.Leu208Pro (NM_001301013.2, NM_172105.4); c.554T>C, p.Leu185Pro (NM_001370458.1, NM_172103.4); short protein forms L154P, L185P, L208P.
Identifiers: ClinVar variation 848246 (VCV000848246.11), dbSNP rs2060740628, ClinGen allele CA365699045.

ClinVar aggregate classification (germline): Uncertain significance. Review status: criteria provided, multiple submitters, no conflicts (2 of 4 stars). 2 submissions from 2 submitters: Uncertain significance (2). Last evaluated 2025-06-10.

Conditions:
Cardiovascular phenotype. Identifiers: MedGen CN230736.
Dilated cardiomyopathy 1J (CMD1J). Also called: CARDIOMYOPATHY, DILATED, WITH SENSORINEURAL HEARING LOSS, AUTOSOMAL DOMINANT. Identifiers: Orphanet 217622, MedGen C1854368, MONDO:0011541, OMIM 605362.

Allele frequency attached by ClinVar (database versions not stated): gnomAD exomes below 0.00001; TOPMed below 0.00001; gnomAD 0.00001.
gnomAD v4.1: 5 of 1,613,886 alleles (0.00031%); highest among the groups gnomAD compares: Admixed American, 0.0017%; no homozygotes.

Submissions (2):

Ambry Genetics
Classification: Uncertain significance for Cardiovascular phenotype. Last evaluated: 2025-06-10. Review status: criteria provided, single submitter. Criteria: Ambry Variant Classification Scheme 2023. Collection method: clinical testing. Allele origin: germline.

Labcorp Genetics (formerly Invitae), Labcorp
Classification: Uncertain significance for Dilated cardiomyopathy 1J. Last evaluated: 2024-04-12. Review status: criteria provided, single submitter. Criteria: Invitae Variant Classification Sherloc (09022015). Collection method: clinical testing. Allele origin: germline.
Comment: This sequence change replaces leucine, which is neutral and non-polar, with proline, which is neutral and non-polar, at codon 208 of the EYA4 protein (p.Leu208Pro). This variant is not present in population databases (gnomAD no frequency). This variant has not been reported in the literature in individuals affected with EYA4-related conditions. ClinVar contains an entry for this variant (Variation ID: 848246). Advanced modeling of protein sequence and biophysical properties (such as structural, functional, and spatial information, amino acid conservation, physicochemical variation, residue mobility, and thermodynamic stability) performed at Invitae indicates that this missense variant is not expected to disrupt EYA4 protein function with a negative predictive value of 80%. In summary, the available evidence is currently insufficient to determine the role of this variant in disease. Therefore, it has been classified as a Variant of Uncertain Significance.